The following is an entry in ClinVar:

NM_000426.4(LAMA2):c.7658C>A (p.Ser2553Ter)

Gene: LAMA2 (laminin subunit alpha 2; plus strand). Cytogenetic location: 6q22.33.
Variant type: single nucleotide variant.
Coding change: c.7658C>A on transcript NM_000426.4 (MANE Select); coding-DNA position 7658, C replaced by A.
Protein change: p.Ser2553Ter; replaces serine 2553 with a stop codon.
Molecular consequence: nonsense.
Genome position (GRCh38, 1-based): chr6:129,481,348, C>A. VCF-style: chr6-129481348-C-A. GRCh37 (hg19) VCF-style: chr6-129802493-C-A.
Other names: c.7646C>A, p.Ser2549Ter (NM_001079823.2); short protein forms S2549*, S2553*.
Identifiers: ClinVar variation 1725648 (VCV001725648.3), dbSNP rs1668597244, ClinGen allele CA365628061.

ClinVar aggregate classification (germline): Likely pathogenic (1 of 4 stars; one submission).

Conditions:
LAMA2-related muscular dystrophy (LAMA2-RD). Also called: Laminin alpha 2-related dystrophy. Identifiers: MedGen C5679788, MONDO:0100228.

Submission:

Myriad Genetics, Inc.
Classification: Likely pathogenic for LAMA2-related muscular dystrophy. Last evaluated: 2022-03-30. Review status: criteria provided, single submitter. Criteria: Myriad Autosomal Dominant, Autosomal Recessive and X-Linked Classification Criteria (2023). Collection method: clinical testing. Allele origin: unknown.
Comment: NM_000426.3(LAMA2):c.7658C>A(S2553*) is expected to be pathogenic in the context of muscular dystrophy, LAMA2-related. This variant is predicted to lead to an abnormal or absent protein product due to the creation of a premature termination codon in LAMA2, a gene where loss-of-function variants are known to be pathogenic. Please note: this variant was assessed in the context of healthy population screening.